The following is an entry in ClinVar:

ClinVar aggregate classification (germline): Uncertain significance (1 of 4 stars; one submission).

Submission:

Clinical Genomics Laboratory, Laboratory for Precision Diagnostics, University of Washington
Classification: Uncertain significance. Last evaluated: 2023-07-12. Review status: criteria provided, single submitter. Criteria: ACMG/ClinGen CNV Guidelines, 2019. Collection method: clinical testing. Allele origin: unknown. Affected: yes. Observed: 1 variant allele.

GRCh38/hg38 3p11.1(chr3:88228562-88772457)x1

Genes: CSNK2A2IP (casein kinase 2 subunit alpha' interacting protein; plus strand), LOC126806740 (MED14-independent group 3 enhancer GRCh37_chr3:88279578-88280777; plus strand). Cytogenetic location: 3p11.1.
Variant type: copy number loss.
Change: copy number 1 (one copy instead of two) of chr3:88,228,562-88,772,457 (543.9 kb, GRCh38 coordinates, 1-based), cytogenetic band 3p11.1.
Identifiers: ClinVar variation 4890982 (VCV004890982.1).